The following is an entry in ClinVar:

NM_001009944.3(PKD1):c.3929_3930del (p.Asp1310fs)

Gene: PKD1 (polycystin 1, transient receptor potential channel interacting; minus strand). Cytogenetic location: 16p13.3.
Variant type: Deletion.
Coding change: c.3929_3930del on transcript NM_001009944.3 (MANE Select); coding-DNA positions 3929 to 3930, 2 bases deleted (AC; older notation c.3929_3930delAC).
Protein change: p.Asp1310fs; shifts the reading frame from aspartic acid 1310.
Molecular consequence: frameshift variant.
Genome position (GRCh38, 1-based): chr16:2,111,237-2,111,238, GT deleted on the plus strand (AC on the coding strand, the reverse complement: PKD1 is on the minus strand). VCF-style (leftmost placement, unchanged base first): chr16-2111236-CGT-C. GRCh37 (hg19) VCF-style: chr16-2161237-CGT-C.
Other names: c.3929_3930del, p.Asp1310fs (NM_000296.4); short protein forms D1310fs.
Identifiers: ClinVar variation 4997459 (VCV004997459.1).

ClinVar aggregate classification (germline): Pathogenic (1 of 4 stars; one submission).

Conditions:
PKD1-related disorder. Also called: PKD1-related condition.

Submission:

PreventionGenetics, part of Exact Sciences
Classification: Pathogenic for PKD1-related condition. Last evaluated: 2025-05-27. Review status: criteria provided, single submitter. Criteria: ACMG Guidelines, 2015. Collection method: clinical testing. Allele origin: germline.
Comment: The PKD1 c.3929_3930delAC variant is predicted to result in a frameshift and premature protein termination (p.Asp1310Glyfs*120). This variant was reported as a "constitutional mutation" in an individual with autosomal dominant polycystic kidney disease (ADPKD) in a somatic variant study of patients with ADPKD (Tan et al. 2018. PubMed ID: 30042192). This variant has not been reported in a large population database (gnomAD), indicating this variant is rare. Frameshift variants in PKD1 are expected to be pathogenic. This variant is interpreted as pathogenic.